The following is an entry in ClinVar:

ClinVar aggregate classification (germline): Uncertain significance (1 of 4 stars; one submission).

Allele frequency attached by ClinVar (database versions not stated): gnomAD exomes below 0.00001.
gnomAD v4.1: 1 of 1,612,062 alleles (0.000062%); highest among the groups gnomAD compares: Admixed American, 0.0017%; no homozygotes.

Submission:

Labcorp Genetics (formerly Invitae), Labcorp
Classification: Uncertain significance. Last evaluated: 2021-04-02. Review status: criteria provided, single submitter. Criteria: Invitae Variant Classification Sherloc (09022015). Collection method: clinical testing. Allele origin: germline.
Comment: This sequence change replaces proline with leucine at codon 155 of the GATA3 protein (p.Pro155Leu). The proline residue is highly conserved and there is a moderate physicochemical difference between proline and leucine. In summary, the available evidence is currently insufficient to determine the role of this variant in disease. Therefore, it has been classified as a Variant of Uncertain Significance. Algorithms developed to predict the effect of missense changes on protein structure and function (SIFT, PolyPhen-2, Align-GVGD) all suggest that this variant is likely to be disruptive, but these predictions have not been confirmed by published functional studies and their clinical significance is uncertain. This variant has not been reported in the literature in individuals with GATA3-related conditions. This variant is not present in population databases (ExAC no frequency).

NM_001002295.2(GATA3):c.464C>T (p.Pro155Leu)

Gene: GATA3 (GATA binding protein 3; plus strand). Cytogenetic location: 10p14.
Variant type: single nucleotide variant.
Coding change: c.464C>T on transcript NM_001002295.2 (MANE Select); coding-DNA position 464, C replaced by T.
Protein change: p.Pro155Leu; replaces proline 155 with leucine.
Molecular consequence: missense variant.
Genome position (GRCh38, 1-based): chr10:8,058,527, C>T. VCF-style: chr10-8058527-C-T. GRCh37 (hg19) VCF-style: chr10-8100490-C-T.
Other names: c.464C>T, p.Pro155Leu (NM_002051.3); short protein forms P155L.
Identifiers: ClinVar variation 1384167 (VCV001384167.8), dbSNP rs1286220415, ClinGen allele CA375968584.